The following is an entry in ClinVar:

ClinVar aggregate classification (germline): Uncertain significance. Review status: criteria provided, multiple submitters, no conflicts (2 of 4 stars). 3 submissions from 3 submitters: Uncertain significance (3). Last evaluated 2025-12-26.

Conditions:
Cholesterol-ester transfer protein deficiency. Identifiers: MedGen C3875011, MONDO:0007744.

Allele frequency attached by ClinVar (database versions not stated): gnomAD 0.00004; gnomAD exomes 0.00007 and 0.00010; ExAC 0.00012; TOPMed 0.00005.
gnomAD v4.1: 104 of 1,614,116 alleles (0.0064%); highest among the groups gnomAD compares: Admixed American, 0.028%; no homozygotes.

Submissions (3):

Dasa
Classification: Uncertain significance for Cholesterol-ester transfer protein deficiency. Last evaluated: 2025-12-26. Review status: criteria provided, single submitter. Criteria: DASA Assertion Criteria. Collection method: clinical testing. Allele origin: germline.
Comment: NM_000078.3(CETP):c.1105C>T (p.Arg369Cys) is a missense variant that results in the substitution of arginine with cysteine. This variant is rare in population databases. Computational prediction algorithms are consistent with a benign effect. The currently available literature and clinical evidence are not sufficient to establish a definitive association between this variant and the reported condition. Therefore, this variant is classified as a variant of uncertain significance.

Ambry Genetics
Classification: Uncertain significance. Last evaluated: 2025-09-05. Review status: criteria provided, single submitter. Criteria: Ambry Variant Classification Scheme 2023. Collection method: clinical testing. Allele origin: germline.

GeneDx
Classification: Uncertain significance. Last evaluated: 2019-05-06. Review status: criteria provided, single submitter. Criteria: GeneDx Variant Classification Process June 2021. Collection method: clinical testing. Allele origin: germline. Affected: yes.
Comment: Has not been previously published as pathogenic or benign to our knowledge; In silico analysis, which includes protein predictors and evolutionary conservation, supports that this variant does not alter protein structure/function

NM_000078.3(CETP):c.1105C>T (p.Arg369Cys)

Gene: CETP (cholesteryl ester transfer protein; plus strand). Cytogenetic location: 16q13.
Variant type: single nucleotide variant.
Coding change: c.1105C>T on transcript NM_000078.3 (MANE Select); coding-DNA position 1105, C replaced by T.
Protein change: p.Arg369Cys; replaces arginine 369 with cysteine.
Molecular consequence: missense variant.
Genome position (GRCh38, 1-based): chr16:56,978,214, C>T. VCF-style: chr16-56978214-C-T. GRCh37 (hg19) VCF-style: chr16-57012126-C-T.
Other names: c.925C>T, p.Arg309Cys (NM_001286085.2); short protein forms R309C, R369C.
Identifiers: ClinVar variation 1305453 (VCV001305453.5), dbSNP rs774433762, ClinGen allele CA8071219.